The following is an entry in ClinVar:

NM_000459.5(TEK):c.3325G>T (p.Glu1109Ter)

Gene: TEK (TEK receptor tyrosine kinase; plus strand). Cytogenetic location: 9p21.2.
Variant type: single nucleotide variant.
Coding change: c.3325G>T on transcript NM_000459.5 (MANE Select); coding-DNA position 3325, G replaced by T.
Protein change: p.Glu1109Ter; replaces glutamic acid 1109 with a stop codon.
Molecular consequence: nonsense.
Genome position (GRCh38, 1-based): chr9:27,229,182, G>T. VCF-style: chr9-27229182-G-T. GRCh37 (hg19) VCF-style: chr9-27229180-G-T.
Other names: c.3325G>T (NM_000459.3); c.3196G>T, p.Glu1066Ter (NM_001290077.2); c.2881G>T, p.Glu961Ter (NM_001290078.2); c.3322G>T, p.Glu1108Ter (NM_001375475.1); c.3193G>T, p.Glu1065Ter (NM_001375476.1); short protein forms E1065*, E1066*, E1108*, E1109*, E961*.
Identifiers: ClinVar variation 1285389 (VCV001285389.4), dbSNP rs2131267771, ClinGen allele CA373131339.
Genomic context (GRCh38, chr9:27,229,182, plus strand): 5'-GCAGCCTATGTCTCTGAACCATTTTCATTCTTCCAGACCTACGTGAATACCACGCTTTAT[G>T]AGAAGTTTACTTATGCAGGAATTGACTGTTCTGCTGAAGAAGCGGCCTAGGACAGAACAT-3'

ClinVar aggregate classification (germline): Pathogenic/Likely pathogenic. Review status: criteria provided, multiple submitters, no conflicts (2 of 4 stars). 3 submissions from 3 submitters: Pathogenic (2); Likely pathogenic (1). Last evaluated 2023-10-22.

Conditions:
Segmental undergrowth associated with venous malformation without capillary component.
Vascular malformation. Also called: Vascular malformations. Identifiers: MedGen C0158570, MONDO:0024291.

Submissions (3):

Clinical Genomics Laboratory, Washington University in St. Louis
Classification: Likely pathogenic for Vascular malformation. Last evaluated: 2023-10-22. Review status: criteria provided, single submitter. Criteria: ACMG Guidelines, 2015. Collection method: clinical testing. Allele origin: somatic. Affected: yes.
Comment: The TEK c.3325G>T (p.Glu1109Ter) variant was identified at an allelic fraction consistent with somatic origin. To our knowledge, this variant is absent from the medical literature, but has been reported in the ClinVar database as pathogenic somatic variant by two submitters (ClinVar ID:1285389). This variant is absent from the general population (gnomAD v3.1.2), indicating it is not a common variant. The TEK c.3325G>T (p.Glu1109Ter) variant causes a premature termination codon; however, because this occurs in the last exon, it is not predicted to lead to nonsense-mediated decay. This variant resides within the cytoplasmic kinase domain of TEK, which is a critical functional domain (Shewchuk LM et al., PMID: 11080633). Functional studies have demonstrated that other variants within this region result in the truncation of the C-terminal inhibitory loop, leading to increased receptor autophosphorylation (Boscolo E et al., PMID: 26258417; Soblet J et al., PMID: 23801934). Based on an internally-developed protocol informed by the ACMG/AMP guidelines for variant interpretation (Richards S et al., PMID: 25741868), the TEK c.3325G>T (p.Glu1109Ter) variant is classified as likely pathogenic.

Seattle Children's Hospital Molecular Genetics Laboratory, Seattle Children's Hospital
Classification: Pathogenic. Last evaluated: 2021-10-14. Review status: criteria provided, single submitter. Criteria: ACMG Guidelines, 2015. Collection method: clinical testing. Allele origin: somatic. Affected: yes.
Comment: Although this variant appears absent from the medical literature, it has been reported as a pathogenic variant in the ClinVar database (Variation ID: 1285389). This variant is not present in large population studies (Genome Aggregation Database v2.1.1).

Institute of Medical and Molecular Genetics, Hospital Universitario La Paz
Classification: Pathogenic for Segmental undergrowth associated with venous malformation without capillary component. Last evaluated: 2021-04-06. Review status: criteria provided, single submitter. Criteria: ACMG Guidelines, 2015. Collection method: clinical testing. Allele origin: somatic. Affected: yes. Observed: 1 variant allele.